The following is an entry in ClinVar:

ClinVar aggregate classification (germline): Pathogenic. Review status: criteria provided, multiple submitters, no conflicts (2 of 4 stars). 6 submissions from 6 submitters: Pathogenic (3). 3 of the submissions do not count toward it. Last evaluated 2026-01-06.

Conditions:
Nephrotic syndrome 14. Also called: RENI SYNDROME; RENAL, ENDOCRINE, NEUROLOGIC, AND IMMUNE SYNDROME; Sphingosine Phosphate Lyase Insufficiency Syndrome. Identifiers: Orphanet 506334, MedGen C4540559, MONDO:0033203, OMIM 617575.
Nephrotic syndrome. Identifiers: MedGen C0027726, MONDO:0005377, HP:0000100.

Allele frequency attached by ClinVar (database versions not stated): ExAC 0.00002.
gnomAD v4.1: 8 of 1,613,776 alleles (0.0005%); highest among the groups gnomAD compares: South Asian, 0.0011%; no homozygotes.

Submissions (6):

Labcorp Genetics (formerly Invitae), Labcorp
Classification: Pathogenic. Last evaluated: 2026-01-06. Review status: criteria provided, single submitter. Criteria: Invitae Variant Classification Sherloc (09022015). Collection method: clinical testing. Allele origin: germline.
Comment: This sequence change replaces arginine, which is basic and polar, with glutamine, which is neutral and polar, at codon 222 of the SGPL1 protein (p.Arg222Gln). This variant is present in population databases (rs769259446, gnomAD 0.003%). This missense change has been observed in individual(s) with clinical features of SGPL1-related conditions (PMID: 28165343, 30517686, 31130284). It has also been observed to segregate with disease in related individuals. ClinVar contains an entry for this variant (Variation ID: 430861). Invitae Evidence Modeling of protein sequence and biophysical properties (such as structural, functional, and spatial information, amino acid conservation, physicochemical variation, residue mobility, and thermodynamic stability) indicates that this missense variant is expected to disrupt SGPL1 protein function with a positive predictive value of 80%. Experimental studies have shown that this missense change affects SGPL1 function (PMID: 28165343). This variant disrupts the p.Arg222 amino acid residue in SGPL1. Other variant(s) that disrupt this residue have been observed in individuals with SGPL1-related conditions (PMID: 28165339), which suggests that this may be a clinically significant amino acid residue. For these reasons, this variant has been classified as Pathogenic.

Genomic Medicine Center of Excellence, King Faisal Specialist Hospital and Research Centre
Classification: Pathogenic for Nephrotic syndrome 14. Last evaluated: 2023-05-12. Review status: criteria provided, single submitter. Criteria: ACMG Guidelines, 2015. Collection method: clinical testing. Allele origin: germline.

CENTOGENE GmbH and LLC - Guiding Precision Medicine
Classification: Pathogenic for Nephrotic syndrome 14. Review status: criteria provided, single submitter. Criteria: ACMG Guidelines, 2015. Collection method: clinical testing. Allele origin: germline. Affected: yes.

OMIM
Classification: Pathogenic for RENI SYNDROME. Last evaluated: 2023-08-24. Review status: no assertion criteria provided. Collection method: literature only. Allele origin: germline. Not counted in ClinVar's aggregate classification.

Yale Center for Mendelian Genomics, Yale University
Classification: Likely pathogenic for Nephrotic syndrome. Last evaluated: 2017-11-10. Review status: no assertion criteria provided. Collection method: literature only. Allele origin: germline. Affected: yes. Observed: 1 homozygote. Study: Yale Center for Mendelian Genomics. Not counted in ClinVar's aggregate classification.

GeneReviews
No classification provided. Condition: Nephrotic syndrome 14. Review status: no classification provided. Collection method: literature only. Allele origin: germline. Not counted in ClinVar's aggregate classification.

Literature cited by the submitters: PubMed 28165343 (cited by 3 submitters); PubMed 30517686 (cited by Labcorp Genetics (formerly Invitae), Labcorp and OMIM); PubMed 31130284 (cited by Labcorp Genetics (formerly Invitae), Labcorp); PubMed 28165339 (cited by 3 submitters); PubMed 32860008 (cited by CENTOGENE GmbH and LLC - Guiding Precision Medicine); PubMed 23232022 (cited by OMIM); PubMed 29127259 (cited by Yale Center for Mendelian Genomics, Yale University); PubMed 32233035 (cited by GeneReviews); PubMed 33074640 (cited by GeneReviews).

NM_003901.4(SGPL1):c.665G>A (p.Arg222Gln)

Gene: SGPL1 (sphingosine-1-phosphate lyase 1; plus strand). Cytogenetic location: 10q22.1.
Variant type: single nucleotide variant.
Coding change: c.665G>A on transcript NM_003901.4 (MANE Select); coding-DNA position 665, G replaced by A.
Protein change: p.Arg222Gln; replaces arginine 222 with glutamine.
Molecular consequence: missense variant.
Genome position (GRCh38, 1-based): chr10:70,868,394, G>A. VCF-style: chr10-70868394-G-A. GRCh37 (hg19) VCF-style: chr10-72628151-G-A.
Other names: short protein forms R222Q.
Identifiers: ClinVar variation 430861 (VCV000430861.14), dbSNP rs769259446, ClinGen allele CA5541257.